The following is an entry in ClinVar:

ClinVar aggregate classification (germline): Uncertain significance (1 of 4 stars; one submission).

Conditions:
Inborn genetic diseases. Identifiers: MedGen C0950123, MeSH D030342.

Submission:

Ambry Genetics
Classification: Uncertain significance for Inborn genetic diseases. Last evaluated: 2026-05-14. Review status: criteria provided, single submitter. Criteria: Ambry Variant Classification Scheme 2023. Collection method: clinical testing. Allele origin: germline.
Comment: The p.P418L variant (also known as c.1253C>T), located in coding exon 7 of the ERCC6L2 gene, results from a C to T substitution at nucleotide position 1253. The proline at codon 418 is replaced by leucine, an amino acid with similar properties. This amino acid position is conserved. In addition, the in silico prediction for this alteration is inconclusive. Based on the available evidence, the clinical significance of this variant remains unclear.

NM_020207.7(ERCC6L2):c.1253C>T (p.Pro418Leu)

Gene: ERCC6L2 (ERCC excision repair 6 like 2; plus strand). Cytogenetic location: 9q22.32.
Variant type: single nucleotide variant.
Coding change: c.1253C>T on transcript NM_020207.7 (MANE Select); coding-DNA position 1253, C replaced by T.
Protein change: p.Pro418Leu; replaces proline 418 with leucine.
Molecular consequence: missense variant. On other transcripts: non-coding transcript variant (1).
Genome position (GRCh38, 1-based): chr9:95,921,269, C>T. VCF-style: chr9-95921269-C-T. GRCh37 (hg19) VCF-style: chr9-98683551-C-T.
Other names: c.1253C>T, p.Pro418Leu (NM_001010895.4, NM_001375291.1, NM_001375292.1 and 2 more transcripts); short protein forms P418L.
Identifiers: ClinVar variation 4870613 (VCV004870613.1).
Genomic context (GRCh38, chr9:95,921,269, plus strand): 5'-CTGTCTATCAAACAGTGTTAGAAACAGAGGACGTGACTTTGATACTTCAATCTTCTGAGC[C>T]TTGTACCTGTAGGAGTGGCCAAAAAAGGAGAAATTGTTGTTATAAGGCAAGCATTTCAAT-3'
Protein context (NP_064592.3, residues 408-428): DVTLILQSSE[Pro418Leu]CTCRSGQKRR